The following is an entry in ClinVar:

NM_017649.5(CNNM2):c.100A>T (p.Ser34Cys)

Gene: CNNM2 (cyclin and CBS domain divalent metal cation transport mediator 2; plus strand). Cytogenetic location: 10q24.32.
Variant type: single nucleotide variant.
Coding change: c.100A>T on transcript NM_017649.5 (MANE Select); coding-DNA position 100, A replaced by T.
Protein change: p.Ser34Cys; replaces serine 34 with cysteine.
Molecular consequence: missense variant.
Genome position (GRCh38, 1-based): chr10:102,918,580, A>T. VCF-style: chr10-102918580-A-T. GRCh37 (hg19) VCF-style: chr10-104678337-A-T.
Other names: c.100A>T, p.Ser34Cys (NM_199076.3, NM_199077.3); short protein forms S34C.
Identifiers: ClinVar variation 1912813 (VCV001912813.5), dbSNP rs748377838, ClinGen allele CA5670222.

ClinVar aggregate classification (germline): Uncertain significance (1 of 4 stars; one submission).

Allele frequency attached by ClinVar (database versions not stated): ExAC 0.00002; TOPMed 0.00005.
gnomAD v4.1: 14 of 1,576,232 alleles (0.00089%); highest among the groups gnomAD compares: African/African-American, 0.018%; no homozygotes.

Submission:

Labcorp Genetics (formerly Invitae), Labcorp
Classification: Uncertain significance. Last evaluated: 2022-08-03. Review status: criteria provided, single submitter. Criteria: Invitae Variant Classification Sherloc (09022015). Collection method: clinical testing. Allele origin: germline.
Comment: In summary, the available evidence is currently insufficient to determine the role of this variant in disease. Therefore, it has been classified as a Variant of Uncertain Significance. Algorithms developed to predict the effect of missense changes on protein structure and function (SIFT, PolyPhen-2, Align-GVGD) all suggest that this variant is likely to be tolerated. This variant has not been reported in the literature in individuals affected with CNNM2-related conditions. This variant is present in population databases (rs748377838, gnomAD 0.02%). This sequence change replaces serine, which is neutral and polar, with cysteine, which is neutral and slightly polar, at codon 34 of the CNNM2 protein (p.Ser34Cys).